The following is an entry in ClinVar:

NM_000059.4(BRCA2):c.5308del (p.Ser1770fs)

Gene: BRCA2 (BRCA2 DNA repair associated; plus strand). Cytogenetic location: 13q13.1.
Variant type: Deletion.
Coding change: c.5308del on transcript NM_000059.4 (MANE Select); coding-DNA position 5308, one base deleted (T; older notation c.5308delT).
Protein change: p.Ser1770fs; shifts the reading frame from serine 1770.
Molecular consequence: frameshift variant.
Genome position (GRCh38, 1-based): chr13:32,339,663, T deleted; the last of 2 consecutive T bases (chr13:32,339,662-32,339,663); deleting either gives the same sequence. VCF-style (leftmost placement, unchanged base first): chr13-32339661-AT-A. GRCh37 (hg19) VCF-style: chr13-32913798-AT-A.
Other names: c.5308delT (NM_000059.3); short protein forms S1770fs.
Identifiers: ClinVar variation 231574 (VCV000231574.9), dbSNP rs876659236, ClinGen allele CA10579652.
Genomic context (GRCh38, chr13:32,339,661, plus strand): 5'-ATTCCTACCATTCTGATGAGGTATATAATGATTCAGGATATCTCTCAAAAAATAAACTTG[AT>A]TCTGGTATTGAGCCAGTATTGAAGAATGTTGAAGATCAAAAAAACACTAGTTTTTCCAAA-3'

ClinVar aggregate classification (germline): Pathogenic. Review status: reviewed by expert panel (3 of 4 stars). 4 submissions from 4 submitters: Pathogenic (1). 3 of the submissions do not count toward it. Last evaluated 2017-12-15.

Conditions:
Hereditary cancer-predisposing syndrome. Also called: Hereditary Cancer Syndrome; Neoplastic Syndromes, Hereditary; Tumor predisposition; Hereditary neoplastic syndrome. Identifiers: Orphanet 140162, MedGen C0027672, MeSH D009386, MONDO:0015356.
Breast-ovarian cancer, familial, susceptibility to, 2 (BROVCA2). Also called: BRCA2 Hereditary Breast and Ovarian Cancer. Identifiers: Orphanet 145, MedGen C2675520, MONDO:0012933, OMIM 612555. Disease mechanism: loss of function.
Hereditary breast ovarian cancer syndrome. Also called: Hereditary breast and/or ovarian cancer syndrome; BRCA1- and BRCA2-Associated Hereditary Breast and Ovarian Cancer; Hereditary breast and ovarian cancer syndrome (HBOC); Hereditary breast and ovarian cancer; Hereditary breast and ovarian cancer syndrome; Breast and ovarian cancer. Identifiers: Orphanet 145, MedGen C0677776, MeSH D061325, MONDO:0003582. Disease mechanism: loss of function.

Submissions (4):

Evidence-based Network for the Interpretation of Germline Mutant Alleles (ENIGMA)
Classification: Pathogenic for Breast-ovarian cancer, familial, susceptibility to, 2. Last evaluated: 2017-12-15. Review status: reviewed by expert panel. Criteria: ENIGMA BRCA1/2 Classification Criteria (2017-06-29). Collection method: curation. Allele origin: germline. Study: ENIGMA.
Comment: Variant allele predicted to encode a truncated non-functional protein.

Labcorp Genetics (formerly Invitae), Labcorp
Classification: Pathogenic for Hereditary breast ovarian cancer syndrome. Last evaluated: 2025-06-15. Review status: criteria provided, single submitter. Criteria: Invitae Variant Classification Sherloc (09022015). Collection method: clinical testing. Allele origin: germline. Not counted in ClinVar's aggregate classification.
Comment: This sequence change creates a premature translational stop signal (p.Ser1770Leufs*7) in the BRCA2 gene. It is expected to result in an absent or disrupted protein product. Loss-of-function variants in BRCA2 are known to be pathogenic (PMID: 20104584). This variant is not present in population databases (gnomAD no frequency). This premature translational stop signal has been observed in individual(s) with breast cancer (PMID: 38520597). ClinVar contains an entry for this variant (Variation ID: 231574). For these reasons, this variant has been classified as Pathogenic.

Color Diagnostics, LLC DBA Color Health
Classification: Pathogenic for Hereditary cancer-predisposing syndrome. Last evaluated: 2020-01-27. Review status: criteria provided, single submitter. Criteria: ACMG Guidelines, 2015. Collection method: clinical testing. Allele origin: germline. Not counted in ClinVar's aggregate classification.
Comment: This variant deletes 1 nucleotide in exon 11 of the BRCA2 gene, creating a frameshift and premature translation stop signal. This variant is expected to result in an absent or non-functional protein product. To our knowledge, this variant has not been reported in individuals affected with hereditary cancer in the literature. This variant has not been identified in the general population by the Genome Aggregation Database (gnomAD). Loss of BRCA2 function is a known mechanism of disease. Based on the available evidence, this variant is classified as Pathogenic.

Ambry Genetics
Classification: Pathogenic for Hereditary cancer-predisposing syndrome. Last evaluated: 2015-04-24. Review status: criteria provided, single submitter. Criteria: Ambry Variant Classification Scheme 2023. Collection method: clinical testing. Allele origin: germline. Not counted in ClinVar's aggregate classification.
Comment: The c.5308delT pathogenic mutation (also known as 5536delT), located in coding exon 10 of the BRCA2 gene, results from a deletion of one nucleotide at nucleotide position 5308, causing a translational frameshift with a predicted alternate stop codon. Since frameshifts are typically deleterious in nature, this alteration is interpreted as a disease-causing mutation (ACMG Recommendations for Standards for Interpretation and Reporting of Sequence Variations. Revision 2007. Genet Med. 2008;10:294).

Literature cited by the submitters: PubMed 20104584 (cited by Labcorp Genetics (formerly Invitae), Labcorp); PubMed 38520597 (cited by Labcorp Genetics (formerly Invitae), Labcorp).